The following is an entry in ClinVar:

ClinVar aggregate classification (germline): Likely pathogenic (1 of 4 stars; one submission).

Conditions:
Epidermolysis bullosa dystrophica. Also called: Dystrophic epidermolysis bullosa, Hallopeau-Siemens type (formerly); Dystrophic epidermolysis bullosa. Identifiers: Orphanet 303, MedGen C0079294, MONDO:0006543.

gnomAD v4.1: 1 of 1,613,972 alleles (0.000062%); highest among the groups gnomAD compares: Non-Finnish European, 0.000085%; no homozygotes.

Submission:

Natera, Inc.
Classification: Likely pathogenic for Dystrophic epidermolysis bullosa. Last evaluated: 2024-07-17. Review status: criteria provided, single submitter. Criteria: Natera Variant Classification Schema (03/2026). Collection method: clinical testing. Allele origin: germline.
Comment: The c.4486G>T variant in COL7A1 is a nonsense variant predicted to introduce a stop codon at amino acid 1496. This variant is expected to result in nonsense mediated decay, truncation, or a dysfunctional protein product. This variant is rare in the general population with a frequency below the threshold expected for the associated phenotype(s). Given the available evidence, this variant is classified as Likely Pathogenic.

NM_000094.4(COL7A1):c.4486G>T (p.Glu1496Ter)

Gene: COL7A1 (collagen type VII alpha 1 chain; minus strand). Cytogenetic location: 3p21.31.
Variant type: single nucleotide variant.
Coding change: c.4486G>T on transcript NM_000094.4 (MANE Select); coding-DNA position 4486, G replaced by T.
Protein change: p.Glu1496Ter; replaces glutamic acid 1496 with a stop codon.
Molecular consequence: nonsense.
Genome position (GRCh38, 1-based): chr3:48,583,045, C>A on the plus strand (G>T on the coding strand, the complement: COL7A1 is on the minus strand). VCF-style: chr3-48583045-C-A. GRCh37 (hg19) VCF-style: chr3-48620478-C-A.
Other names: short protein forms E1496*.
Identifiers: ClinVar variation 4817377 (VCV004817377.1).